The following is an entry in ClinVar:

ClinVar aggregate classification (germline): Uncertain significance (1 of 4 stars; one submission).

Allele frequency attached by ClinVar (database versions not stated): TOPMed 0.00001; gnomAD exomes 0.00002; gnomAD 0.00005.
gnomAD v4.1: 30 of 1,614,154 alleles (0.0019%); highest among the groups gnomAD compares: Middle Eastern, 0.15%; no homozygotes.

Submission:

Labcorp Genetics (formerly Invitae), Labcorp
Classification: Uncertain significance. Last evaluated: 2023-02-09. Review status: criteria provided, single submitter. Criteria: Invitae Variant Classification Sherloc (09022015). Collection method: clinical testing. Allele origin: germline.
Comment: In summary, the available evidence is currently insufficient to determine the role of this variant in disease. Therefore, it has been classified as a Variant of Uncertain Significance. Algorithms developed to predict the effect of missense changes on protein structure and function are either unavailable or do not agree on the potential impact of this missense change (SIFT: "Deleterious"; PolyPhen-2: "Possibly Damaging"; Align-GVGD: "Class C0"). This variant has not been reported in the literature in individuals affected with CCDC88A-related conditions. This variant is present in population databases (rs569160245, gnomAD 0.003%). This sequence change replaces proline, which is neutral and non-polar, with leucine, which is neutral and non-polar, at codon 1797 of the CCDC88A protein (p.Pro1797Leu).

NM_001365480.1(CCDC88A):c.5393C>T (p.Pro1798Leu)

Gene: CCDC88A (coiled-coil and HOOK domain protein 88A; minus strand). Cytogenetic location: 2p16.1.
Variant type: single nucleotide variant.
Coding change: c.5393C>T on transcript NM_001365480.1 (MANE Select); coding-DNA position 5393, C replaced by T.
Protein change: p.Pro1798Leu; replaces proline 1798 with leucine.
Molecular consequence: missense variant. On other transcripts: intron variant (1).
Genome position (GRCh38, 1-based): chr2:55,295,755, G>A on the plus strand (C>T on the coding strand, the complement: CCDC88A is on the minus strand). VCF-style: chr2-55295755-G-A. GRCh37 (hg19) VCF-style: chr2-55522891-G-A.
Other names: c.5390C>T, p.Pro1797Leu (NM_001135597.2); c.5309C>T, p.Pro1770Leu (NM_018084.5); c.5196-28C>T (NM_001254943.2); short protein forms P1770L, P1797L, P1798L.
Identifiers: ClinVar variation 2978808 (VCV002978808.3), dbSNP rs569160245, ClinGen allele CA47619187.